The following is an entry in ClinVar:

NM_001374828.1(ARID1B):c.7032G>C (p.Arg2344=)

Gene: ARID1B (AT-rich interaction domain 1B; plus strand). Cytogenetic location: 6q25.3.
Variant type: single nucleotide variant.
Coding change: c.7032G>C on transcript NM_001374828.1 (MANE Select); coding-DNA position 7032, G replaced by C.
Protein change: p.Arg2344=; no amino-acid change (arginine 2344 retained).
Molecular consequence: synonymous variant.
Genome position (GRCh38, 1-based): chr6:157,207,804, G>C. VCF-style: chr6-157207804-G-C. GRCh37 (hg19) VCF-style: chr6-157528938-G-C.
Other names: c.4533G>C, p.Arg1511= (NM_001363725.2); c.6912G>C, p.Arg2304= (NM_001371656.1, NM_001374820.1); c.6873G>C, p.Arg2291= (NM_017519.3).
Identifiers: ClinVar variation 3905614 (VCV003905614.10).

ClinVar aggregate classification (germline): Likely benign (1 of 4 stars; one submission).

gnomAD v4.1: 6 of 1,549,820 alleles (0.00039%); highest among the groups gnomAD compares: Non-Finnish European, 0.00052%; no homozygotes.

Submission:

CeGaT Center for Human Genetics Tuebingen
Classification: Likely benign. Last evaluated: 2025-05-01. Review status: criteria provided, single submitter. Criteria: CeGaT Center For Human Genetics Tuebingen Variant Classification Criteria Version 2. Collection method: clinical testing. Allele origin: germline. Affected: yes. Observed: 1 variant allele.
Comment: ARID1B: BP4, BP7